The following is an entry in ClinVar:

NM_001035.3(RYR2):c.4160+4A>T

Genes: RYR2 (ryanodine receptor 2; plus strand), LOC126806067 (BRD4-independent group 4 enhancer GRCh37_chr1:237753258-237754457; plus strand). Cytogenetic location: 1q43.
Variant type: single nucleotide variant.
Coding change: c.4160+4A>T on transcript NM_001035.3 (MANE Select); 4 bases into the intron after coding-DNA position 4160, A replaced by T.
Molecular consequence: intron variant.
Genome position (GRCh38, 1-based): chr1:237,590,996, A>T. VCF-style: chr1-237590996-A-T. GRCh37 (hg19) VCF-style: chr1-237754296-A-T.
Identifiers: ClinVar variation 1738341 (VCV001738341.2), dbSNP rs759979308, ClinGen allele CA2580062468.

ClinVar aggregate classification (germline): Uncertain significance (1 of 4 stars; one submission).

Conditions:
Cardiovascular phenotype. Identifiers: MedGen CN230736.

Submission:

Ambry Genetics
Classification: Uncertain significance for Cardiovascular phenotype. Last evaluated: 2020-08-17. Review status: criteria provided, single submitter. Criteria: Ambry Variant Classification Scheme 2023. Collection method: clinical testing. Allele origin: germline.
Comment: The c.4160+4A>T intronic variant results from an A to T substitution 4 nucleotides after coding exon 31 in the RYR2 gene. This nucleotide position is well conserved in available vertebrate species. In silico splice site analysis predicts that this alteration will not have any significant effect on splicing. Since supporting evidence is limited at this time, the clinical significance of this alteration remains unclear.